The following is an entry in ClinVar:

NM_133433.4(NIPBL):c.2980G>T (p.Asp994Tyr)

Gene: NIPBL (NIPBL cohesin loading factor; plus strand). Cytogenetic location: 5p13.2.
Variant type: single nucleotide variant.
Coding change: c.2980G>T on transcript NM_133433.4 (MANE Select); coding-DNA position 2980, G replaced by T.
Protein change: p.Asp994Tyr; replaces aspartic acid 994 with tyrosine.
Molecular consequence: missense variant.
Genome position (GRCh38, 1-based): chr5:36,986,160, G>T. VCF-style: chr5-36986160-G-T. GRCh37 (hg19) VCF-style: chr5-36986262-G-T.
Other names: c.2980G>T, p.Asp994Tyr (NM_015384.5); short protein forms D994Y.
Identifiers: ClinVar variation 1944413 (VCV001944413.6), dbSNP rs760771193, ClinGen allele CA3236251.

ClinVar aggregate classification (germline): Conflicting classifications of pathogenicity. Review status: criteria provided, conflicting classifications (1 of 4 stars). 2 submissions from 2 submitters: Uncertain significance (1); Likely benign (1). Last evaluated 2022-06-21.

Conditions:
Cornelia de Lange syndrome 1 (CDLS1). Also called: Brachmann de Lange syndrome; TYPUS DEGENERATIVUS AMSTELODAMENSIS; NIPBL-Related Cornelia de Lange Syndrome. Identifiers: Orphanet 199, MedGen C4551851, MONDO:0007387, OMIM 122470.
Inborn genetic diseases. Identifiers: MedGen C0950123, MeSH D030342.

Allele frequency attached by ClinVar (database versions not stated): TOPMed below 0.00001; ExAC 0.00001.

Submissions (2):

Ambry Genetics
Classification: Likely benign for Inborn genetic diseases. Last evaluated: 2022-06-21. Review status: criteria provided, single submitter. Criteria: Ambry Variant Classification Scheme 2023. Collection method: clinical testing. Allele origin: germline.

Labcorp Genetics (formerly Invitae), Labcorp
Classification: Uncertain significance for Cornelia de Lange syndrome 1. Last evaluated: 2022-03-14. Review status: criteria provided, single submitter. Criteria: Invitae Variant Classification Sherloc (09022015). Collection method: clinical testing. Allele origin: germline.
Comment: In summary, the available evidence is currently insufficient to determine the role of this variant in disease. Therefore, it has been classified as a Variant of Uncertain Significance. Advanced modeling of protein sequence and biophysical properties (such as structural, functional, and spatial information, amino acid conservation, physicochemical variation, residue mobility, and thermodynamic stability) performed at Invitae indicates that this missense variant is expected to disrupt NIPBL protein function. This variant has not been reported in the literature in individuals affected with NIPBL-related conditions. This variant is present in population databases (rs760771193, gnomAD 0.002%). This sequence change replaces aspartic acid, which is acidic and polar, with tyrosine, which is neutral and polar, at codon 994 of the NIPBL protein (p.Asp994Tyr).